The following is an entry in ClinVar:

ClinVar aggregate classification (germline): Pathogenic. Review status: reviewed by expert panel (3 of 4 stars). 3 submissions from 3 submitters: Pathogenic (1). 2 of the submissions do not count toward it. Last evaluated 2017-12-15.

Conditions:
Breast-ovarian cancer, familial, susceptibility to, 1 (BROVCA1). Also called: OVARIAN CANCER, SUSCEPTIBILITY TO; BRCA1 Hereditary Breast and Ovarian Cancer. Identifiers: Orphanet 145, MedGen C2676676, MONDO:0011450, OMIM 604370. Disease mechanism: loss of function.
Familial cancer of breast. Also called: Hereditary breast cancer; hereditary breast carcinoma; BREAST CANCER, FAMILIAL. Identifiers: Orphanet 227535, MedGen C0346153, MONDO:0016419, OMIM 114480. Disease mechanism: loss of function.

Submissions (3):

Evidence-based Network for the Interpretation of Germline Mutant Alleles (ENIGMA)
Classification: Pathogenic for Breast-ovarian cancer, familial, susceptibility to, 1. Last evaluated: 2017-12-15. Review status: reviewed by expert panel. Criteria: ENIGMA BRCA1/2 Classification Criteria (2017-06-29). Collection method: curation. Allele origin: germline. Study: ENIGMA.
Comment: Variant allele predicted to encode a truncated non-functional protein.

Biomedical Genomics and Oncogenetics Laboratory, Institut Pasteur de Tunis, University Tunis El Manar
Classification: Pathogenic for Breast-ovarian cancer, familial, susceptibility to, 1. Review status: criteria provided, single submitter. Criteria: ACMG Guidelines, 2015. Collection method: clinical testing. Allele origin: germline. Affected: yes. Observed: 6 variant alleles. Not counted in ClinVar's aggregate classification.

ClinVar Staff, National Center for Biotechnology Information (NCBI)
No classification provided. Condition: Familial cancer of breast. Review status: no classification provided. Collection method: literature only. Allele origin: germline. Affected: yes. Not counted in ClinVar's aggregate classification.

Literature cited by the submitters: PubMed 17922257 (cited by Biomedical Genomics and Oncogenetics Laboratory, Institut Pasteur de Tunis, University Tunis El Manar and ClinVar Staff, National Center for Biotechnology Information (NCBI)).

NM_007294.4(BRCA1):c.211dup (p.Arg71fs)

Gene: BRCA1 (BRCA1 DNA repair associated; minus strand). Cytogenetic location: 17q21.31.
Variant type: Duplication.
Coding change: c.211dup on transcript NM_007294.4 (MANE Select); coding-DNA position 211, one base duplicated (A; older notation c.211dupA).
Protein change: p.Arg71fs; shifts the reading frame from arginine 71.
Molecular consequence: frameshift variant.
Genome position (GRCh38, 1-based): chr17:43,106,457, T duplicated on the plus strand (A on the coding strand, the reverse complement: BRCA1 is on the minus strand); the first of 4 consecutive T bases (chr17:43,106,457-43,106,460); duplicating any one gives the same sequence. VCF-style (leftmost placement, unchanged base first): chr17-43106456-C-CT. GRCh37 (hg19) VCF-style: chr17-41258473-C-CT.
Other names: c.211dupA (NM_007294.3); c.208dup, p.Arg71Lysfs (NM_001407581.1, NM_001407582.1, NM_001407583.1 and 166 more transcripts); c.67dup, p.Arg24Lysfs (NM_001407692.1, NM_001407694.1, NM_001407695.1 and 98 more transcripts); c.70dup, p.Arg24fs (NM_007297.4); c.211dup, p.Arg71fs (NM_007299.4, NM_007300.4); short protein forms R24fs, R71fs.
Identifiers: ClinVar variation 54463 (VCV000054463.19), dbSNP rs397508938, ClinGen allele CA327801.